The following is an entry in ClinVar:

NM_005257.6(GATA6):c.1217C>G (p.Thr406Ser)

Gene: GATA6 (GATA binding protein 6; plus strand). Cytogenetic location: 18q11.2.
Variant type: single nucleotide variant.
Coding change: c.1217C>G on transcript NM_005257.6 (MANE Select); coding-DNA position 1217, C replaced by G.
Protein change: p.Thr406Ser; replaces threonine 406 with serine.
Molecular consequence: missense variant.
Genome position (GRCh38, 1-based): chr18:22,177,036, C>G. VCF-style: chr18-22177036-C-G. GRCh37 (hg19) VCF-style: chr18-19756997-C-G.
Other names: short protein forms T406S.
Identifiers: ClinVar variation 2726613 (VCV002726613.5), dbSNP rs1277552749, ClinGen allele CA401802063.

ClinVar aggregate classification (germline): Uncertain significance. Review status: criteria provided, multiple submitters, no conflicts (2 of 4 stars). 2 submissions from 2 submitters: Uncertain significance (2). Last evaluated 2025-11-18.

Conditions:
Atrioventricular septal defect 5 (AVSD5). Identifiers: MedGen C3280939, MONDO:0013769, OMIM 614474.

Allele frequency attached by ClinVar (database versions not stated): gnomAD 0.00001; 1000 Genomes Project 30x 0.00031; gnomAD exomes 0.00001.
gnomAD v4.1: 5 of 1,576,924 alleles (0.00032%); highest among the groups gnomAD compares: Admixed American, 0.0054%; no homozygotes.

Submissions (2):

Labcorp Genetics (formerly Invitae), Labcorp
Classification: Uncertain significance for Atrioventricular septal defect 5. Last evaluated: 2025-11-18. Review status: criteria provided, single submitter. Criteria: Invitae Variant Classification Sherloc (09022015). Collection method: clinical testing. Allele origin: germline.
Comment: This sequence change replaces threonine, which is neutral and polar, with serine, which is neutral and polar, at codon 406 of the GATA6 protein (p.Thr406Ser). This variant is present in population databases (no rsID available, gnomAD 0.007%). This variant has not been reported in the literature in individuals affected with GATA6-related conditions. ClinVar contains an entry for this variant (Variation ID: 2726613). Invitae Evidence Modeling of protein sequence and biophysical properties (such as structural, functional, and spatial information, amino acid conservation, physicochemical variation, residue mobility, and thermodynamic stability) indicates that this missense variant is expected to disrupt GATA6 protein function with a positive predictive value of 80%. In summary, the available evidence is currently insufficient to determine the role of this variant in disease. Therefore, it has been classified as a Variant of Uncertain Significance.

Women's Health and Genetics/Laboratory Corporation of America, LabCorp
Classification: Uncertain significance. Last evaluated: 2025-04-04. Review status: criteria provided, single submitter. Criteria: LabCorp Variant Classification Summary - May 2015. Collection method: clinical testing. Allele origin: germline.
Comment: Variant summary: GATA6 c.1217C>G (p.Thr406Ser) results in a conservative amino acid change in the encoded protein sequence. Three of five in-silico tools predict a damaging effect of the variant on protein function. The variant allele was found at a frequency of 1.1e-05 in 183258 control chromosomes. The available data on variant occurrences in the general population are insufficient to allow any conclusion about variant significance. To our knowledge, no occurrence of c.1217C>G in individuals affected with GATA6-Related Disorders and no experimental evidence demonstrating its impact on protein function have been reported. ClinVar contains an entry for this variant (Variation ID: 2726613). Based on the evidence outlined above, the variant was classified as uncertain significance.